The following is an entry in ClinVar:

ClinVar aggregate classification (germline): Uncertain significance (1 of 4 stars; one submission).

Conditions:
Hawkinsinuria. Identifiers: Orphanet 2118, MedGen C2931042, MONDO:0007700, OMIM 140350, HP:0034457.
Tyrosinemia type III. Also called: Tyrosinemia type 3; 4-alpha hydroxyphenylpyruvic acid oxidase deficiency; 4-alpha hydroxyphenylpyruvate dioxygenase deficiency; 4-Hydroxyphenylpyruvate dioxygenase deficiency; 4-HYDROXYPHENYLPYRUVIC ACID OXIDASE DEFICIENCY. Identifiers: Orphanet 69723, MedGen C0268623, MONDO:0010162, OMIM 276710.

gnomAD v4.1: 1 of 1,612,424 alleles (0.000062%); highest among the groups gnomAD compares: African/African-American, 0.0013%; no homozygotes.

Submission:

Labcorp Genetics (formerly Invitae), Labcorp
Classification: Uncertain significance for Tyrosinemia type III; Hawkinsinuria. Last evaluated: 2025-04-10. Review status: criteria provided, single submitter. Criteria: Invitae Variant Classification Sherloc (09022015). Collection method: clinical testing. Allele origin: germline.
Comment: This sequence change replaces glutamine, which is neutral and polar, with arginine, which is basic and polar, at codon 137 of the HPD protein (p.Gln137Arg). This variant is not present in population databases (gnomAD no frequency). This variant has not been reported in the literature in individuals affected with HPD-related conditions. Invitae Evidence Modeling of protein sequence and biophysical properties (such as structural, functional, and spatial information, amino acid conservation, physicochemical variation, residue mobility, and thermodynamic stability) indicates that this missense variant is not expected to disrupt HPD protein function with a negative predictive value of 80%. In summary, the available evidence is currently insufficient to determine the role of this variant in disease. Therefore, it has been classified as a Variant of Uncertain Significance.

NM_002150.3(HPD):c.410A>G (p.Gln137Arg)

Genes: HPD (4-hydroxyphenylpyruvate dioxygenase; minus strand), TIALD (transcript inducer of AURKA lysosomal degradation; plus strand). Cytogenetic location: 12q24.31.
Variant type: single nucleotide variant.
Coding change: c.410A>G on transcript NM_002150.3 (MANE Select); coding-DNA position 410, A replaced by G.
Protein change: p.Gln137Arg; replaces glutamine 137 with arginine.
Molecular consequence: missense variant.
Genome position (GRCh38, 1-based): chr12:121,854,707, T>C on the plus strand (A>G on the coding strand, the complement: HPD is on the minus strand). VCF-style: chr12-121854707-T-C. GRCh37 (hg19) VCF-style: chr12-122292613-T-C.
Other names: c.293A>G, p.Gln98Arg (NM_001171993.2); short protein forms Q137R, Q98R.
Identifiers: ClinVar variation 4790308 (VCV004790308.1).